The following is an entry in ClinVar:

NM_015158.5(KANK1):c.1130_1138del (p.Leu377_Lys380delinsGln)

Gene: KANK1 (KN motif and ankyrin repeat domains 1; plus strand). Cytogenetic location: 9p24.3.
Variant type: Deletion.
Coding change: c.1130_1138del on transcript NM_015158.5 (MANE Select); coding-DNA positions 1130 to 1138, 9 bases deleted (TGGAGCAGA; older notation c.1130_1138delTGGAGCAGA).
Protein change: p.Leu377_Lys380delinsGln.
Molecular consequence: inframe indel. On other transcripts: non-coding transcript variant (1).
Genome position (GRCh38, 1-based): chr9:711,896-711,904, TGGAGCAGA deleted. VCF-style (leftmost placement, unchanged base first): chr9-711895-CTGGAGCAGA-C. GRCh37 (hg19) VCF-style: chr9-711895-CTGGAGCAGA-C.
Other names: c.1130_1138del, p.Leu377_Lys380delinsGln (NM_001256876.3, NM_001256877.3, NM_001354331.2 and 2 more transcripts); c.656_664del, p.Leu219_Lys222delinsGln (NM_001354340.2, NM_001354341.2, NM_001354342.2 and 9 more transcripts).
Identifiers: ClinVar variation 3609855 (VCV003609855.2).
Genomic context (GRCh38, chr9:711,895, plus strand): 5'-GTAGAACAGAGCACGCAGAGGATAAAGGAGTTCCGGCAACTTACAGCAGACATGCAAGCC[CTGGAGCAGA>C]AGATCCAGGACAGCAGCTGTGAGGCCTCCTCAGAGCTCAGGGAGAATGGAGAGTGCCGGT-3'

ClinVar aggregate classification (germline): Uncertain significance (1 of 4 stars; one submission).

Submission:

Labcorp Genetics (formerly Invitae), Labcorp
Classification: Uncertain significance. Last evaluated: 2024-06-03. Review status: criteria provided, single submitter. Criteria: Invitae Variant Classification Sherloc (09022015). Collection method: clinical testing. Allele origin: germline.
Comment: This variant, c.1130_1138del, is a complex sequence change that results in the deletion of 4 and insertion of 1 amino acid(s) in the KANK1 protein (p.Leu377_Lys380delinsGln). This variant is present in population databases (rs748767612, gnomAD 0.02%). This variant has not been reported in the literature in individuals affected with KANK1-related conditions. Experimental studies and prediction algorithms are not available or were not evaluated, and the functional significance of this variant is currently unknown. In summary, the available evidence is currently insufficient to determine the role of this variant in disease. Therefore, it has been classified as a Variant of Uncertain Significance.